The following is an entry in ClinVar:

NM_000455.5(STK11):c.794A>C (p.Glu265Ala)

Gene: STK11 (serine/threonine kinase 11; plus strand). Cytogenetic location: 19p13.3.
Variant type: single nucleotide variant.
Coding change: c.794A>C on transcript NM_000455.5 (MANE Select); coding-DNA position 794, A replaced by C.
Protein change: p.Glu265Ala; replaces glutamic acid 265 with alanine.
Molecular consequence: missense variant. On other transcripts: non-coding transcript variant (1).
Genome position (GRCh38, 1-based): chr19:1,221,272, A>C. VCF-style: chr19-1221272-A-C. GRCh37 (hg19) VCF-style: chr19-1221271-A-C.
Other names: c.794A>C, p.Glu265Ala (NM_001407255.1); short protein forms E265A.
Identifiers: ClinVar variation 2586610 (VCV002586610.2), dbSNP rs2145426998, ClinGen allele CA402950530.

ClinVar aggregate classification (germline): Uncertain significance (1 of 4 stars; one submission).

Conditions:
Hereditary cancer-predisposing syndrome. Also called: Hereditary neoplastic syndrome; Tumor predisposition; Hereditary Cancer Syndrome; Neoplastic Syndromes, Hereditary. Identifiers: Orphanet 140162, MedGen C0027672, MeSH D009386, MONDO:0015356.

Submission:

Ambry Genetics
Classification: Uncertain significance for Hereditary cancer-predisposing syndrome. Last evaluated: 2023-09-05. Review status: criteria provided, single submitter. Criteria: Ambry Variant Classification Scheme 2023. Collection method: clinical testing. Allele origin: germline.
Comment: The p.E265A variant (also known as c.794A>C), located in coding exon 6 of the STK11 gene, results from an A to C substitution at nucleotide position 794. The glutamic acid at codon 265 is replaced by alanine, an amino acid with dissimilar properties. This amino acid position is conserved. In addition, the in silico prediction for this alteration is inconclusive. Since supporting evidence is limited at this time, the clinical significance of this alteration remains unclear.